The following is an entry in ClinVar:

NM_018646.6(TRPV6):c.1338C>T (p.Asp446=)

Gene: TRPV6 (transient receptor potential cation channel subfamily V member 6; minus strand). Cytogenetic location: 7q34.
Variant type: single nucleotide variant.
Coding change: c.1338C>T on transcript NM_018646.6 (MANE Select); coding-DNA position 1338, C replaced by T.
Protein change: p.Asp446=; no amino-acid change (aspartic acid 446 retained).
Molecular consequence: synonymous variant.
Genome position (GRCh38, 1-based): chr7:142,874,972, G>A on the plus strand (C>T on the coding strand, the complement: TRPV6 is on the minus strand). VCF-style: chr7-142874972-G-A. GRCh37 (hg19) VCF-style: chr7-142572725-G-A.
Identifiers: ClinVar variation 1711662 (VCV001711662.33), dbSNP rs752468639, ClinGen allele CA4532544.

ClinVar aggregate classification (germline): Likely benign. Review status: criteria provided, multiple submitters, no conflicts (2 of 4 stars). 2 submissions from 2 submitters: Likely benign (2). Last evaluated 2023-12-04.

Allele frequency attached by ClinVar (database versions not stated): ExAC 0.00001; gnomAD 0.00001; gnomAD exomes 0.00001; TOPMed 0.00001.
gnomAD v4.1: 17 of 1,613,998 alleles (0.0011%); highest among the groups gnomAD compares: Non-Finnish European, 0.0014%; no homozygotes.

Submissions (2):

Labcorp Genetics (formerly Invitae), Labcorp
Classification: Likely benign. Last evaluated: 2023-12-04. Review status: criteria provided, single submitter. Criteria: Invitae Variant Classification Sherloc (09022015). Collection method: clinical testing. Allele origin: germline.

CeGaT Center for Human Genetics Tuebingen
Classification: Likely benign. Last evaluated: 2022-08-01. Review status: criteria provided, single submitter. Criteria: CeGaT Center For Human Genetics Tuebingen Variant Classification Criteria Version 2. Collection method: clinical testing. Allele origin: germline. Affected: yes. Observed: 1 variant allele.
Comment: TRPV6: BP4, BP7